The following is an entry in ClinVar:

NM_004364.5(CEBPA):c.662A>T (p.Gln221Leu)

Gene: CEBPA (CCAAT enhancer binding protein alpha; minus strand). Cytogenetic location: 19q13.11.
Variant type: single nucleotide variant.
Coding change: c.662A>T on transcript NM_004364.5 (MANE Select); coding-DNA position 662, A replaced by T.
Protein change: p.Gln221Leu; replaces glutamine 221 with leucine.
Molecular consequence: missense variant.
Genome position (GRCh38, 1-based): chr19:33,301,753, T>A on the plus strand (A>T on the coding strand, the complement: CEBPA is on the minus strand). VCF-style: chr19-33301753-T-A. GRCh37 (hg19) VCF-style: chr19-33792659-T-A.
Other names: c.305A>T, p.Gln102Leu (NM_001285829.2); c.767A>T, p.Gln256Leu (NM_001287424.2); c.620A>T, p.Gln207Leu (NM_001287435.2); short protein forms Q207L, Q221L, Q256L, Q102L.
Identifiers: ClinVar variation 1474925 (VCV001474925.8), dbSNP rs2145260807, ClinGen allele CA405274465.

ClinVar aggregate classification (germline): Uncertain significance (1 of 4 stars; one submission).

Conditions:
Acute myeloid leukemia (AML). Also called: Leukemia, acute myeloid, somatic; Leukemia, acute myelogenous, somatic; Acute myeloid leukemia, adult; AML adult; Acute non-lymphocytic leukemia; Acute granulocytic leukemia. Identifiers: Orphanet 519, MedGen C0023467, MeSH D015470, MONDO:0018874, OMIM 601626, HP:0004808. Disease mechanism: Constitutively activated FLT3.

Submission:

Labcorp Genetics (formerly Invitae), Labcorp
Classification: Uncertain significance for Acute myeloid leukemia. Last evaluated: 2020-11-20. Review status: criteria provided, single submitter. Criteria: Invitae Variant Classification Sherloc (09022015). Collection method: clinical testing. Allele origin: germline.
Comment: In summary, the available evidence is currently insufficient to determine the role of this variant in disease. Therefore, it has been classified as a Variant of Uncertain Significance. Algorithms developed to predict the effect of missense changes on protein structure and function are either unavailable or do not agree on the potential impact of this missense change (SIFT: "Tolerated"; PolyPhen-2: "Possibly Damaging"; Align-GVGD: "Class C0"). This variant has not been reported in the literature in individuals with CEBPA-related conditions. The frequency data for this variant in the population databases is considered unreliable, as metrics indicate insufficient coverage at this position in the ExAC database. This sequence change replaces glutamine with leucine at codon 221 of the CEBPA protein (p.Gln221Leu). The glutamine residue is moderately conserved and there is a moderate physicochemical difference between glutamine and leucine.